The following is an entry in ClinVar:

ClinVar aggregate classification (germline): Uncertain significance (1 of 4 stars; one submission).

Conditions:
Multiple gastrointestinal atresias. Also called: FAMILIAL INTESTINAL POLYATRESIA SYNDROME; Multiple intestinal atresia. Identifiers: Orphanet 2300, MedGen C0220744, MONDO:0009465.

Allele frequency attached by ClinVar (database versions not stated): gnomAD 0.00002; TOPMed 0.00002.

Submission:

Labcorp Genetics (formerly Invitae), Labcorp
Classification: Uncertain significance for Multiple gastrointestinal atresias. Last evaluated: 2021-09-01. Review status: criteria provided, single submitter. Criteria: Invitae Variant Classification Sherloc (09022015). Collection method: clinical testing. Allele origin: germline.
Comment: This sequence change replaces arginine with histidine at codon 463 of the TTC7A protein (p.Arg463His). The arginine residue is weakly conserved and there is a small physicochemical difference between arginine and histidine. This variant is present in population databases (rs761123950, ExAC 0.002%). This variant has not been reported in the literature in individuals affected with TTC7A-related conditions. Algorithms developed to predict the effect of missense changes on protein structure and function output the following: SIFT: "Tolerated"; PolyPhen-2: "Benign"; Align-GVGD: "Class C0". The histidine amino acid residue is found in multiple mammalian species, which suggests that this missense change does not adversely affect protein function. In summary, the available evidence is currently insufficient to determine the role of this variant in disease. Therefore, it has been classified as a Variant of Uncertain Significance.

NM_020458.4(TTC7A):c.1388G>A (p.Arg463His)

Gene: TTC7A (tetratricopeptide repeat domain 7A; plus strand). Cytogenetic location: 2p21.
Variant type: single nucleotide variant.
Coding change: c.1388G>A on transcript NM_020458.4 (MANE Select); coding-DNA position 1388, G replaced by A.
Protein change: p.Arg463His; replaces arginine 463 with histidine.
Molecular consequence: missense variant.
Genome position (GRCh38, 1-based): chr2:47,011,431, G>A. VCF-style: chr2-47011431-G-A. GRCh37 (hg19) VCF-style: chr2-47238570-G-A.
Other names: c.1388G>A, p.Arg463His (NM_001288951.2); c.1286G>A, p.Arg429His (NM_001288953.2); c.326G>A, p.Arg109His (NM_001288955.2); short protein forms R463H, R109H, R429H.
Identifiers: ClinVar variation 962417 (VCV000962417.7), dbSNP rs761123950, ClinGen allele CA1647639.